The following is an entry in ClinVar:

NM_032578.4(MYPN):c.1858A>G (p.Thr620Ala)

Gene: MYPN (myopalladin; plus strand). Cytogenetic location: 10q21.3.
Variant type: single nucleotide variant.
Coding change: c.1858A>G on transcript NM_032578.4 (MANE Select); coding-DNA position 1858, A replaced by G.
Protein change: p.Thr620Ala; replaces threonine 620 with alanine.
Molecular consequence: missense variant. On other transcripts: non-coding transcript variant (2).
Genome position (GRCh38, 1-based): chr10:68,166,551, A>G. VCF-style: chr10-68166551-A-G. GRCh37 (hg19) VCF-style: chr10-69926308-A-G.
Other names: p.T620A:ACC>GCC; c.1858A>G, p.Thr620Ala (NM_001256267.2); c.976A>G, p.Thr326Ala (NM_001256268.2); short protein forms T620A, T326A.
Identifiers: ClinVar variation 191751 (VCV000191751.7), dbSNP rs144031245, ClinGen allele CA237454.

ClinVar aggregate classification (germline): Conflicting classifications of pathogenicity. Review status: criteria provided, conflicting classifications (1 of 4 stars). 5 submissions from 5 submitters: Uncertain significance (4); Likely benign (1). Last evaluated 2025-12-12.

Conditions:
Dilated cardiomyopathy 1KK (CMD1KK). Identifiers: Orphanet 154, Orphanet 75249, MedGen C3714995, MONDO:0014100, OMIM 615248.
Cardiovascular phenotype. Identifiers: MedGen CN230736.

Allele frequency attached by ClinVar (database versions not stated): gnomAD exomes 0.00003 and 0.00015; ExAC 0.00004; gnomAD 0.00005; TOPMed 0.00005; ESP Exome Variant Server 0.00015.
gnomAD v4.1: 223 of 1,614,034 alleles (0.014%); highest among the groups gnomAD compares: Non-Finnish European, 0.018%; no homozygotes.

Submissions (5):

Women's Health and Genetics/Laboratory Corporation of America, LabCorp
Classification: Uncertain significance. Last evaluated: 2025-12-12. Review status: criteria provided, single submitter. Criteria: LabCorp Variant Classification Summary - May 2015. Collection method: clinical testing. Allele origin: germline.
Comment: Variant summary: MYPN c.1858A>G (p.Thr620Ala) results in a non-conservative amino acid change in the encoded protein sequence. Algorithms developed to predict the effect of missense changes on protein structure and function are either unavailable or do not agree on the potential impact of this missense change. The variant allele was found at a frequency of 2.8e-05 in 251412 control chromosomes. The available data on variant occurrences in the general population are insufficient to allow any conclusion about variant significance. To our knowledge, no occurrence of c.1858A>G in individuals affected with MYPN-related conditions and no experimental evidence demonstrating its impact on protein function have been reported. ClinVar contains an entry for this variant (Variation ID: 191751). Based on the evidence outlined above, the variant was classified as uncertain significance.

Ambry Genetics
Classification: Likely benign for Cardiovascular phenotype. Last evaluated: 2022-08-08. Review status: criteria provided, single submitter. Criteria: Ambry Variant Classification Scheme 2023. Collection method: clinical testing. Allele origin: germline.

Labcorp Genetics (formerly Invitae), Labcorp
Classification: Uncertain significance for Dilated cardiomyopathy 1KK. Last evaluated: 2021-11-27. Review status: criteria provided, single submitter. Criteria: Invitae Variant Classification Sherloc (09022015). Collection method: clinical testing. Allele origin: germline.
Comment: This sequence change replaces threonine, which is neutral and polar, with alanine, which is neutral and non-polar, at codon 620 of the MYPN protein (p.Thr620Ala). This variant is present in population databases (rs144031245, gnomAD 0.02%). This variant has not been reported in the literature in individuals affected with MYPN-related conditions. ClinVar contains an entry for this variant (Variation ID: 191751). Algorithms developed to predict the effect of missense changes on protein structure and function output the following: SIFT: "Tolerated"; PolyPhen-2: "Benign"; Align-GVGD: "Class C0". The alanine amino acid residue is found in multiple mammalian species, which suggests that this missense change does not adversely affect protein function. In summary, the available evidence is currently insufficient to determine the role of this variant in disease. Therefore, it has been classified as a Variant of Uncertain Significance.

GeneDx
Classification: Uncertain significance. Last evaluated: 2014-04-09. Review status: criteria provided, single submitter. Criteria: GeneDx Variant Classification (06012015). Collection method: clinical testing. Allele origin: germline. Affected: yes.
Comment: This variant is denoted p.Thr620Ala (ACC>GCC): c.1858 A>G in exon 10 of the MYPN gene (NM_032578.3).The T620A variant has not been published as a mutation, nor has it been reported as a benign polymorphism to our knowledge. The T620A variant was not observed with any significant frequency in approximately 6,500 individuals of European and African American ancestry in the NHLBI Exome Sequencing Project. The T620A variant is a non-conservative amino acid substitution, which is likely to impact secondary protein structure as these residues differ in polarity, charge, size and/or other properties. Another missense mutations in a nearby residue (A611T) has been reported in association with DCM, supporting the functional importance of this region of the protein. However, the T620A substitution occurs at a position that is not conserved across species. In silico analysis is inconsistent in its predictions as to whether or not the variant is damaging to the protein structure/function. Therefore, based on the currently available information, it is unclear whether this variant is a pathogenic mutation or a rare benign variant. The variant is found in CARDIOMYOPATHY panel(s).

Biesecker Lab/Clinical Genomics Section, National Institutes of Health
Classification: Uncertain significance. Last evaluated: 2013-06-24. Review status: criteria provided, single submitter. Criteria: Ng et al. (Circ Cardiovasc Genet. 2013). Collection method: research. Allele origin: unknown. Observed: 1 variant allele. Study: ClinSeq.
Comment: The study set was not selected for affection status in relation to any cancer. Pathogenicity categories were based on literature curation. See Pubmed ID:23861362 for details.

Medical sequencing

Literature cited by the submitters: PubMed 30531895 (cited by Ambry Genetics).